The following is an entry in ClinVar:

NM_001365308.1(BMPER):c.580G>A (p.Gly194Ser)

Gene: BMPER (BMP binding endothelial regulator; plus strand). Cytogenetic location: 7p14.3.
Variant type: single nucleotide variant.
Coding change: c.580G>A on transcript NM_001365308.1 (MANE Select); coding-DNA position 580, G replaced by A.
Protein change: p.Gly194Ser; replaces glycine 194 with serine.
Molecular consequence: missense variant.
Genome position (GRCh38, 1-based): chr7:34,046,309, G>A. VCF-style: chr7-34046309-G-A. GRCh37 (hg19) VCF-style: chr7-34085921-G-A.
Other names: c.580G>A, p.Gly194Ser (NM_133468.5); short protein forms G194S.
Identifiers: ClinVar variation 360103 (VCV000360103.16), dbSNP rs74734392, ClinGen allele CA4215139.
Genomic context (GRCh38, chr7:34,046,309, plus strand): 5'-TACAATCTACATGCACTTACTTTTCTAAATATGCTTTTTTTTTCTCTCTTTTCTTAGGGA[G>A]GCAGGACACAATGTGTGAGAGAAGTCTGTCCCATTCTCTCCTGTCCCCAGCACCTTAGTC-3'
Protein context (NP_001352237.1, residues 184-204): SKCTKCSCTG[Gly194Ser]RTQCVREVCP

ClinVar aggregate classification (germline): Benign. Review status: criteria provided, multiple submitters, no conflicts (2 of 4 stars). 3 submissions from 3 submitters: Benign (3). Last evaluated 2026-01-26.

Conditions:
Diaphanospondylodysostosis. Also called: VERTEBRAL OSSIFICATION, DEFECT IN, WITH NEPHROGENIC RESTS. Identifiers: Orphanet 66637, MedGen C1842691, MONDO:0011946, OMIM 608022.

Allele frequency attached by ClinVar (database versions not stated): ESP Exome Variant Server 0.00415; gnomAD exomes 0.00706 and 0.01288; TOPMed 0.00822; gnomAD 0.00867 and 0.01011; ExAC 0.01307; 1000 Genomes Project 30x 0.02155; 1000 Genomes Project 0.02456.
gnomAD v4.1: 11,945 of 1,613,294 alleles (0.74%); highest among the groups gnomAD compares: East Asian, 13%; 508 homozygotes.

Submissions (11):

Labcorp Genetics (formerly Invitae), Labcorp
Classification: Benign. Last evaluated: 2026-01-26. Review status: criteria provided, single submitter. Criteria: Invitae Variant Classification Sherloc (09022015). Collection method: clinical testing. Allele origin: germline.

GeneDx
Classification: Benign. Last evaluated: 2021-05-05. Review status: criteria provided, single submitter. Criteria: GeneDx Variant Classification Process June 2021. Collection method: clinical testing. Allele origin: germline. Affected: yes.

Illumina Laboratory Services, Illumina
Classification: Benign for Diaphanospondylodysostosis. Last evaluated: 2018-01-12. Review status: criteria provided, single submitter. Criteria: ICSL Variant Classification Criteria 13 December 2019. Collection method: clinical testing. Allele origin: germline.
Comment: This variant was observed in the ICSL laboratory as part of a predisposition screen in an ostensibly healthy population. It had not been previously curated by ICSL or reported in the Human Gene Mutation Database (HGMD: prior to June 1st, 2018), and was therefore a candidate for classification through an automated scoring system. Utilizing variant allele frequency, disease prevalence and penetrance estimates, and inheritance mode, an automated score was calculated to assess if this variant is too frequent to cause the disease. Based on the score and internal cut-off values, a variant classified as benign is not then subjected to further curation. The score for this variant resulted in a classification of benign for this disease.

Dr. Peter K. Rogan Lab, Western University
No classification provided (evidence only). Condition: Malignant tumor of urinary bladder. Review status: no classification provided. Collection method: in vitro. Allele origin: not applicable. Functional consequence: skipped exon. Not counted in ClinVar's aggregate classification.

Dr. Peter K. Rogan Lab, Western University
No classification provided (evidence only). Condition: Malignant tumor of urinary bladder. Review status: no classification provided. Collection method: in vitro. Allele origin: not applicable. Functional consequence: retained intron. Not counted in ClinVar's aggregate classification.

Dr. Peter K. Rogan Lab, Western University
No classification provided (evidence only). Condition: Clear cell carcinoma of kidney. Review status: no classification provided. Collection method: in vitro. Allele origin: not applicable. Functional consequence: retained intron. Not counted in ClinVar's aggregate classification.

Dr. Peter K. Rogan Lab, Western University
No classification provided (evidence only). Condition: Familial cancer of breast. Review status: no classification provided. Collection method: in vitro. Allele origin: not applicable. Functional consequence: skipped exon, retained intron. Not counted in ClinVar's aggregate classification.

Dr. Peter K. Rogan Lab, Western University
No classification provided (evidence only). Condition: Thyroid cancer, nonmedullary, 1. Review status: no classification provided. Collection method: in vitro. Allele origin: not applicable. Functional consequence: retained intron. Not counted in ClinVar's aggregate classification.

Dr. Peter K. Rogan Lab, Western University
No classification provided (evidence only). Condition: Sarcoma. Review status: no classification provided. Collection method: in vitro. Allele origin: not applicable. Functional consequence: retained intron. Not counted in ClinVar's aggregate classification.

Dr. Peter K. Rogan Lab, Western University
No classification provided (evidence only). Condition: Malignant tumor of esophagus. Review status: no classification provided. Collection method: in vitro. Allele origin: not applicable. Functional consequence: retained intron. Not counted in ClinVar's aggregate classification.

Dr. Peter K. Rogan Lab, Western University
No classification provided (evidence only). Condition: Malignant tumor of esophagus. Review status: no classification provided. Collection method: in vitro. Allele origin: not applicable. Functional consequence: retained intron. Not counted in ClinVar's aggregate classification.